The following is an entry in ClinVar:

NM_004698.4(PRPF3):c.2019G>A (p.Ala673=)

Gene: PRPF3 (pre-mRNA processing factor 3; plus strand). Cytogenetic location: 1q21.2.
Variant type: single nucleotide variant.
Coding change: c.2019G>A on transcript NM_004698.4 (MANE Select); coding-DNA position 2019, G replaced by A.
Protein change: p.Ala673=; no amino-acid change (alanine 673 retained).
Molecular consequence: synonymous variant. On other transcripts: non-coding transcript variant (4).
Genome position (GRCh38, 1-based): chr1:150,352,946, G>A. VCF-style: chr1-150352946-G-A. GRCh37 (hg19) VCF-style: chr1-150325422-G-A.
Other names: c.1614G>A, p.Ala538= (NM_001350529.1); c.2019G>A (NM_004698.2).
Identifiers: ClinVar variation 1915117 (VCV001915117.8), dbSNP rs189302002, ClinGen allele CA1075761.

ClinVar aggregate classification (germline): Benign/Likely benign. Review status: criteria provided, multiple submitters, no conflicts (2 of 4 stars). 4 submissions from 4 submitters: Benign (1); Likely benign (3). Last evaluated 2025-08-25.

Conditions:
Retinal dystrophy. Also called: Inherited retinal dystrophy. Identifiers: Orphanet 71862, MedGen C0854723, MeSH D058499, MONDO:0019118, HP:0000556.
PRPF3-related disorder. Also called: PRPF3-related condition.

Allele frequency attached by ClinVar (database versions not stated): ExAC 0.00005; gnomAD 0.00006; 1000 Genomes Project 30x 0.00016; 1000 Genomes Project 0.00020.
gnomAD v4.1: 245 of 1,614,100 alleles (0.015%); highest among the groups gnomAD compares: East Asian, 0.44%; 3 homozygotes.

Submissions (4):

PreventionGenetics, part of Exact Sciences
Classification: Likely benign for PRPF3-related condition. Last evaluated: 2025-08-25. Review status: criteria provided, single submitter. Criteria: ACMG Guidelines, 2015. Collection method: clinical testing. Allele origin: germline.
Comment: This variant is classified as likely benign based on ACMG/AMP sequence variant interpretation guidelines (Richards et al. 2015 PMID: 25741868, with internal and published modifications).

Labcorp Genetics (formerly Invitae), Labcorp
Classification: Likely benign. Last evaluated: 2024-10-21. Review status: criteria provided, single submitter. Criteria: Invitae Variant Classification Sherloc (09022015). Collection method: clinical testing. Allele origin: germline.

Blueprint Genetics
Classification: Likely benign. Last evaluated: 2024-09-06. Review status: criteria provided, single submitter. Criteria: ACMG Guidelines, 2015. Collection method: clinical testing. Allele origin: germline.

Dept Of Ophthalmology, Nagoya University
Classification: Benign for Retinal dystrophy. Last evaluated: 2023-10-01. Review status: criteria provided, single submitter. Criteria: Submitter's publication. Collection method: research. Allele origin: germline. Affected: yes.